The following is an entry in ClinVar:

NM_001369.3(DNAH5):c.4373_4374delinsAT (p.Arg1458His)

Genes: DNAH5 (dynein axonemal heavy chain 5; minus strand), DNAH5-AS1 (DNAH5 antisense RNA 1; plus strand). Cytogenetic location: 5p15.2.
Variant type: Indel.
Coding change: c.4373_4374delinsAT on transcript NM_001369.3 (MANE Select); coding-DNA positions 4373 to 4374, GG replaced by AT.
Protein change: p.Arg1458His; replaces arginine 1458 with histidine.
Molecular consequence: missense variant.
Genome position (GRCh38, 1-based): chr5:13,864,619-13,864,620, CC replaced by AT on the plus strand (GG replaced by AT on the coding strand, the reverse complement: DNAH5 is on the minus strand). VCF-style: chr5-13864619-CC-AT. GRCh37 (hg19) VCF-style: chr5-13864728-CC-AT.
Other names: short protein forms R1458H.
Identifiers: ClinVar variation 843303 (VCV000843303.1), dbSNP rs1768954926, ClinGen allele CA916082688.
Genomic context (GRCh38, chr5:13,864,619, plus strand): 5'-CTCGCTGAAATCATCAATGATCTTCTTCAGGTCCAAAAAAGCCTGCCAGTCCTTCAAGGC[CC>AT]GGGGAAGCTTTCGACATCTGTGAAGGGACACCAACATGAAAGGCCATTGAAATATGATGG-3'
Protein context (NP_001360.1, residues 1448-1468): EFQNRCRKLP[Arg1458His]ALKDWQAFLD

ClinVar aggregate classification (germline): Uncertain significance (1 of 4 stars; one submission).

Conditions:
Primary ciliary dyskinesia. Also called: Ciliary dyskinesia. Identifiers: Orphanet 244, MedGen C0008780, MONDO:0016575, HP:0012265.

Submission:

Labcorp Genetics (formerly Invitae), Labcorp
Classification: Uncertain significance for Primary ciliary dyskinesia. Last evaluated: 2019-03-11. Review status: criteria provided, single submitter. Criteria: Invitae Variant Classification Sherloc (09022015). Collection method: clinical testing. Allele origin: germline.
Comment: This sequence change replaces arginine with histidine at codon 1458 of the DNAH5 protein (p.Arg1458His). The arginine residue is moderately conserved and there is a small physicochemical difference between arginine and histidine. This variant is reported as two separate entries in the ExAC population database (c.4373G>A, 1% and c.4374G>T, 40%). This variant has not been reported in the literature in individuals with DNAH5-related conditions. Algorithms developed to predict the effect of missense changes on protein structure and function are either unavailable or do not agree on the potential impact of this missense change (SIFT: "Deleterious"; PolyPhen-2: "Possibly Damaging"; Align-GVGD: "Class C0"). In summary, the available evidence is currently insufficient to determine the role of this variant in disease. Therefore, it has been classified as a Variant of Uncertain Significance.